The following is an entry in ClinVar:

NM_014244.5(ADAMTS2):c.99_100insTATAAGAGACAGT (p.Pro34fs)

Gene: ADAMTS2 (ADAM metallopeptidase with thrombospondin type 1 motif 2; minus strand). Cytogenetic location: 5q35.3.
Variant type: Insertion.
Coding change: c.99_100insTATAAGAGACAGT on transcript NM_014244.5 (MANE Select); coding-DNA positions 99 to 100, TATAAGAGACAGT inserted.
Protein change: p.Pro34fs; shifts the reading frame from proline 34.
Molecular consequence: frameshift variant.
Genome position: GRCh38 VCF-style: chr5-179345229-G-GACTGTCTCTTATA. GRCh37 (hg19) VCF-style: chr5-178772230-G-GACTGTCTCTTATA.
Other names: c.99_100insTATAAGAGACAGT, p.Pro34fs (NM_021599.4); short protein forms P34fs.
Identifiers: ClinVar variation 5010787 (VCV005010787.1).

ClinVar aggregate classification (germline): Pathogenic (1 of 4 stars; one submission).

Conditions:
Ehlers-Danlos syndrome, dermatosparaxis type. Also called: EDS VIIC; Dermatosparaxis; Ehlers-Danlos syndrome, type VII, autosomal recessive. Identifiers: Orphanet 1901, MedGen C2700425, MONDO:0009161, OMIM 225410.

Submission:

Myriad Genetics, Inc.
Classification: Pathogenic for Ehlers-Danlos syndrome, dermatosparaxis type. Last evaluated: 2024-05-14. Review status: criteria provided, single submitter. Criteria: Myriad Autosomal Dominant, Autosomal Recessive and X-Linked Classification Criteria (2023). Collection method: clinical testing. Allele origin: unknown.
Comment: NM_014244.4(ADAMTS2):c.99_100ins13(P34Yfs*36) is expected to be pathogenic in the context of Ehlers-Danlos syndrome, ADAMTS2-related. This variant is predicted to lead to an abnormal or absent protein product due to the creation of a premature termination codon in ADAMTS2, a gene where loss-of-function variants are known to be pathogenic. Please note: this variant was assessed in the context of healthy population screening.